The following is an entry in ClinVar:

ClinVar aggregate classification (germline): Uncertain significance (1 of 4 stars; one submission).

Conditions:
Dilated cardiomyopathy 1G (CMD1G). Identifiers: Orphanet 154, MedGen C1858763, MONDO:0011400, OMIM 604145.
Autosomal recessive limb-girdle muscular dystrophy type 2J (LGMDR10). Also called: MUSCULAR DYSTROPHY, LIMB-GIRDLE, AUTOSOMAL RECESSIVE 10; Limb-girdle muscular dystrophy, type 2J. Identifiers: Orphanet 140922, MedGen C1837342, MONDO:0012127, OMIM 608807.

Allele frequency attached by ClinVar (database versions not stated): gnomAD exomes below 0.00001.
gnomAD v4.1: 3 of 1,613,380 alleles (0.00019%); highest among the groups gnomAD compares: South Asian, 0.0022%; no homozygotes.

Submission:

Labcorp Genetics (formerly Invitae), Labcorp
Classification: Uncertain significance for Dilated cardiomyopathy 1G; Autosomal recessive limb-girdle muscular dystrophy type 2J. Last evaluated: 2022-12-04. Review status: criteria provided, single submitter. Criteria: Invitae Variant Classification Sherloc (09022015). Collection method: clinical testing. Allele origin: germline.
Comment: In summary, the available evidence is currently insufficient to determine the role of this variant in disease. Therefore, it has been classified as a Variant of Uncertain Significance. This variant is located in the I band of TTN (PMID: 25589632). Variants in this region may be clinically relevant, but have not been definitively shown to cause cardiomyopathy or neuromuscular disease (PMID: 27493940, 32778822). Variants that disrupt the consensus splice site are a relatively common cause of aberrant splicing (PMID: 17576681, 9536098). Algorithms developed to predict the effect of sequence changes on RNA splicing suggest that this variant is not likely to affect RNA splicing. This variant has not been reported in the literature in individuals affected with TTN-related conditions. This variant is not present in population databases (gnomAD no frequency). This sequence change falls in intron 106 of the TTN gene. It does not directly change the encoded amino acid sequence of the TTN protein. It affects a nucleotide within the consensus splice site.

Literature cited by the submitters: PubMed 25589632; PubMed 27493940; PubMed 32778822; PubMed 17576681; PubMed 9536098.

NM_001267550.2(TTN):c.30223+3G>A

Gene: TTN (titin; minus strand). Cytogenetic location: 2q31.2.
Variant type: single nucleotide variant.
Coding change: c.30223+3G>A on transcript NM_001267550.2 (MANE Select); 3 bases into the intron after coding-DNA position 30223, G replaced by A.
Molecular consequence: intron variant.
Genome position (GRCh38, 1-based): chr2:178,704,144, C>T on the plus strand (G>A on the coding strand, the complement: TTN is on the minus strand). VCF-style: chr2-178704144-C-T. GRCh37 (hg19) VCF-style: chr2-179568871-C-T.
Other names: c.13282+33938G>A (NM_003319.4); c.13858+33938G>A (NM_133437.4); c.13657+33938G>A (NM_133432.3); c.26491+3G>A (NM_133378.4); c.29272+3G>A (NM_001256850.1).
Identifiers: ClinVar variation 2942051 (VCV002942051.3), dbSNP rs1560511350, ClinGen allele CA1310586443.